The following is an entry in ClinVar:

ClinVar aggregate classification (germline): Benign/Likely benign. Review status: criteria provided, multiple submitters, no conflicts (2 of 4 stars). 16 submissions from 13 submitters: Benign (11); Likely benign (1). 4 of the submissions do not count toward it. Last evaluated 2026-02-04.

Conditions:
ABCA4-related disorder. Also called: ABCA4-related condition; ABCA4-related disorders. Identifiers: MedGen CN239167.
Retinitis pigmentosa 19 (RP19). Also called: ABCA4-Related Retinitis Pigmentosa. Identifiers: Orphanet 791, MedGen C1866422, MONDO:0011137, OMIM 601718.
Cone-rod dystrophy 3 (CORD3). Identifiers: Orphanet 1872, MedGen C1858806, MONDO:0011395, OMIM 604116.
Age related macular degeneration 2. Also called: MACULAR DEGENERATION, SENILE; MACULOPATHY, AGE-RELATED, 2; MACULOPATHY, AGE-RELATED. Identifiers: MedGen C3495438, MONDO:0007932, OMIM 153800.
Severe early-childhood-onset retinal dystrophy (STGD1). Also called: MACULAR DYSTROPHY WITH FLECKS, TYPE 1; STGD; Stargardt disease 1; Stargardt macular dystrophy; Juvenile onset macular degeneration. Identifiers: Orphanet 364055, Orphanet 827, MedGen C1855465, MeSH D000080362, MONDO:0009549, OMIM 248200.

Allele frequency attached by ClinVar (database versions not stated): gnomAD exomes 0.17433 and 0.17881; gnomAD 0.20005 and 0.20309; ESP Exome Variant Server 0.20837; 1000 Genomes Project 0.18331; 1000 Genomes Project 30x 0.18520; TOPMed 0.20242; ExAC 0.17659.
gnomAD v4.1: 290,518 of 1,608,016 alleles (18%); highest among the groups gnomAD compares: African/African-American, 26%; 27,424 homozygotes.

Submissions (16):

Labcorp Genetics (formerly Invitae), Labcorp
Classification: Benign. Last evaluated: 2026-02-04. Review status: criteria provided, single submitter. Criteria: Invitae Variant Classification Sherloc (09022015). Collection method: clinical testing. Allele origin: germline.

Blueprint Genetics
Classification: Benign. Last evaluated: 2024-11-26. Review status: criteria provided, single submitter. Criteria: ACMG Guidelines, 2015. Collection method: clinical testing. Allele origin: germline.

Genome-Nilou Lab
Classification: Benign for Severe early-childhood-onset retinal dystrophy. Last evaluated: 2021-07-14. Review status: criteria provided, single submitter. Criteria: ACMG Guidelines, 2015. Collection method: clinical testing. Allele origin: germline. Affected: no.

Genome-Nilou Lab
Classification: Benign for Retinitis pigmentosa 19. Last evaluated: 2021-07-14. Review status: criteria provided, single submitter. Criteria: ACMG Guidelines, 2015. Collection method: clinical testing. Allele origin: germline. Affected: no.

Genome-Nilou Lab
Classification: Benign for Cone-rod dystrophy 3. Last evaluated: 2021-07-14. Review status: criteria provided, single submitter. Criteria: ACMG Guidelines, 2015. Collection method: clinical testing. Allele origin: germline. Affected: no.

Genome-Nilou Lab
Classification: Benign for Age related macular degeneration 2. Last evaluated: 2021-07-14. Review status: criteria provided, single submitter. Criteria: ACMG Guidelines, 2015. Collection method: clinical testing. Allele origin: germline. Affected: no.

Laboratory for Molecular Medicine, Mass General Brigham Personalized Medicine
Classification: Benign. Last evaluated: 2020-06-04. Review status: criteria provided, single submitter. Criteria: LMM Criteria. Collection method: clinical testing. Allele origin: germline. Observed: 2 variant alleles.
Comment: The c.5836-11G>A variant in ABCA4 is classified as benign because it has been identified in 25.8% (6425/24908) of African chromosomes by gnomAD. ACMG/AMP Criteria applied: BA1.

Illumina Laboratory Services, Illumina
Classification: Benign for ABCA4-Related Disorders. Last evaluated: 2018-01-12. Review status: criteria provided, single submitter. Criteria: ICSL Variant Classification Criteria 13 December 2019. Collection method: clinical testing. Allele origin: germline.
Comment: This variant was observed in the ICSL laboratory as part of a predisposition screen in an ostensibly healthy population. It had not been previously curated by ICSL or reported in the Human Gene Mutation Database (HGMD: prior to June 1st, 2018), and was therefore a candidate for classification through an automated scoring system. Utilizing variant allele frequency, disease prevalence and penetrance estimates, and inheritance mode, an automated score was calculated to assess if this variant is too frequent to cause the disease. Based on the score and internal cut-off values, a variant classified as benign is not then subjected to further curation. The score for this variant resulted in a classification of benign for this disease.

Eurofins Ntd Llc (ga)
Classification: Benign. Last evaluated: 2017-12-01. Review status: criteria provided, single submitter. Criteria: EGL Classification Definitions 2015. Collection method: clinical testing. Allele origin: germline. Observed: 10 variant alleles, 7 heterozygotes, 3 homozygotes.

GeneDx
Classification: Benign. Last evaluated: 2012-10-10. Review status: criteria provided, single submitter. Criteria: GeneDx Variant Classification (06012015). Collection method: clinical testing. Allele origin: germline. Affected: yes.
Comment: This variant is considered likely benign or benign based on one or more of the following criteria: it is a conservative change, it occurs at a poorly conserved position in the protein, it is predicted to be benign by multiple in silico algorithms, and/or has population frequency not consistent with disease.

Breakthrough Genomics
Classification: Likely benign. Review status: criteria provided, single submitter. Criteria: ACMG Guidelines, 2015. Collection method: not provided. Allele origin: germline. Inheritance: Autosomal recessive inheritance. Affected: yes.

PreventionGenetics, part of Exact Sciences
Classification: Benign. Review status: criteria provided, single submitter. Criteria: ACMG Guidelines, 2015. Collection method: clinical testing. Allele origin: germline.

Clinical Genetics DNA and cytogenetics Diagnostics Lab, Erasmus MC, Erasmus Medical Center
Classification: Benign. Review status: no assertion criteria provided. Collection method: clinical testing. Allele origin: germline. Affected: yes. Study: VKGL Data-share Consensus. Not counted in ClinVar's aggregate classification.

Diagnostic Laboratory, Department of Genetics, University Medical Center Groningen
Classification: Benign. Review status: no assertion criteria provided. Collection method: clinical testing. Allele origin: germline. Affected: yes. Study: VKGL Data-share Consensus. Not counted in ClinVar's aggregate classification.

Joint Genome Diagnostic Labs from Nijmegen and Maastricht, Radboudumc and MUMC+
Classification: Benign. Review status: no assertion criteria provided. Collection method: clinical testing. Allele origin: germline. Affected: yes. Study: VKGL Data-share Consensus. Not counted in ClinVar's aggregate classification.

Retina International
No classification provided. Review status: no classification provided. Collection method: not provided. Allele origin: not provided. Not counted in ClinVar's aggregate classification.

NM_000350.3(ABCA4):c.5836-11G>A

Gene: ABCA4 (ATP binding cassette subfamily A member 4; minus strand). Cytogenetic location: 1p22.1.
Variant type: single nucleotide variant.
Coding change: c.5836-11G>A on transcript NM_000350.3 (MANE Select); 11 bases into the intron before coding-DNA position 5836, G replaced by A.
Molecular consequence: intron variant.
Genome position (GRCh38, 1-based): chr1:94,008,308, C>T on the plus strand (G>A on the coding strand, the complement: ABCA4 is on the minus strand). VCF-style: chr1-94008308-C-T. GRCh37 (hg19) VCF-style: chr1-94473864-C-T.
Identifiers: ClinVar variation 99408 (VCV000099408.36), dbSNP rs1800739, ClinGen allele CA179698.
Genomic context (GRCh38, chr1:94,008,308, plus strand): 5'-ACTCCGACACACAGCCTGTCCACTGCTGGGCTGGAGGTGCCTGGATAAATCTGCAAGATA[C>T]GAAGAAACCGGACTGAGAACTGAGACAGGGTGAGAGCAAGGAGGGGAAGAGGGAACAAAG-3'